The following is an entry in ClinVar:

ClinVar aggregate classification (germline): Uncertain significance. Review status: criteria provided, multiple submitters, no conflicts (2 of 4 stars). 3 submissions from 3 submitters: Uncertain significance (3). Last evaluated 2024-09-18.

Conditions:
Hereditary cancer-predisposing syndrome. Also called: Hereditary neoplastic syndrome; Neoplastic Syndromes, Hereditary; Hereditary Cancer Syndrome; Tumor predisposition. Identifiers: Orphanet 140162, MedGen C0027672, MeSH D009386, MONDO:0015356.

Allele frequency attached by ClinVar (database versions not stated): gnomAD exomes below 0.00001.
gnomAD v4.1: 1 of 1,607,270 alleles (0.000062%); highest among the groups gnomAD compares: Middle Eastern, 0.017%; no homozygotes.

Submissions (3):

Quest Diagnostics Nichols Institute San Juan Capistrano
Classification: Uncertain significance. Last evaluated: 2024-09-18. Review status: criteria provided, single submitter. Criteria: Quest Diagnostics criteria. Collection method: clinical testing. Allele origin: unknown.
Comment: The RAD50 c.1838A>G (p.Asn613Ser) variant has not been reported in individuals with RAD50-related conditions in the published literature. It also has not been reported in large, multi-ethnic general populations (Genome Aggregation Database). Analysis of this variant using bioinformatics tools for the prediction of the effect of amino acid changes on protein structure and function yielded predictions that this variant is benign. Based on the available information, we are unable to determine the clinical significance of this variant.

Labcorp Genetics (formerly Invitae), Labcorp
Classification: Uncertain significance for Hereditary cancer-predisposing syndrome. Last evaluated: 2022-08-05. Review status: criteria provided, single submitter. Criteria: Invitae Variant Classification Sherloc (09022015). Collection method: clinical testing. Allele origin: germline.
Comment: Algorithms developed to predict the effect of missense changes on protein structure and function (SIFT, PolyPhen-2, Align-GVGD) all suggest that this variant is likely to be tolerated. ClinVar contains an entry for this variant (Variation ID: 127999). This variant has not been reported in the literature in individuals affected with RAD50-related conditions. This variant is not present in population databases (gnomAD no frequency). This sequence change replaces asparagine, which is neutral and polar, with serine, which is neutral and polar, at codon 613 of the RAD50 protein (p.Asn613Ser). In summary, the available evidence is currently insufficient to determine the role of this variant in disease. Therefore, it has been classified as a Variant of Uncertain Significance. Algorithms developed to predict the effect of sequence changes on RNA splicing suggest that this variant may create or strengthen a splice site.

GeneDx
Classification: Uncertain significance. Last evaluated: 2013-11-29. Review status: criteria provided, single submitter. Criteria: GeneDx Variant Classification (06012015). Collection method: clinical testing. Allele origin: germline. Affected: yes.
Comment: RAD50 has been only recently described in association with cancer predisposition and the risks are not well understood. This variant is denoted RAD50 c.1838A>G at the cDNA level, p.Asn613Ser (N613S) at the protein level, and results in the change of an Asparagine to a Serine (AAT>AGT). This variant has not, to our knowledge, been published in the literature as pathogenic or benign. RAD50 Asn613Ser was not observed in approximately 6,500 individuals of European and African American ancestry in the NHLBI Exome Sequencing Project, indicating it is not a common benign variant in these populations. This variant is a conservative substitution of one neutral polar amino acid for another, altering a position that is only moderately conserved across mammals and is not located in a known functional domain (UniProt). In silico analyses predict this variant to have a benign effect on protein structure and function. On a molecular level, the impact of this missense variant on protein structure and function is not known and thus we consider this to be a variant of uncertain significance. Furthermore, based on the currently available information, cancer risks associated with this variant, and the RAD50 gene, remain unclear.

NM_005732.4(RAD50):c.1838A>G (p.Asn613Ser)

Gene: RAD50 (RAD50 double strand break repair protein; plus strand). Cytogenetic location: 5q31.1.
Variant type: single nucleotide variant.
Coding change: c.1838A>G on transcript NM_005732.4 (MANE Select); coding-DNA position 1838, A replaced by G.
Protein change: p.Asn613Ser; replaces asparagine 613 with serine.
Molecular consequence: missense variant.
Genome position (GRCh38, 1-based): chr5:132,594,913, A>G. VCF-style: chr5-132594913-A-G. GRCh37 (hg19) VCF-style: chr5-131930605-A-G.
Other names: p.N613S:AAT>AGT; short protein forms N613S.
Identifiers: ClinVar variation 127999 (VCV000127999.14), dbSNP rs587780151, ClinGen allele CA288197.
Genomic context (GRCh38, chr5:132,594,913, plus strand): 5'-TTTGCTCTTATTTTAGCAAGGAACTAGCTTCATCTGAGCAGAATAAAAATCATATAAATA[A>G]TGAACTAAAAAGAAAGGAAGAGCAGTTGTCCAGTTACGAAGACAAGCTGTTTGATGTTTG-3'
Protein context (NP_005723.2, residues 603-623): SSEQNKNHIN[Asn613Ser]ELKRKEEQLS